The following is an entry in ClinVar:

ClinVar aggregate classification (germline): Uncertain significance (1 of 4 stars; one submission).

Conditions:
Familial sleep-related hypermotor epilepsy. Also called: Autosomal Dominant Sleep-Related Hypermotor (Hyperkinetic) Epilepsy. Identifiers: Orphanet 98784, MedGen C3696898, MONDO:0000030.

Submission:

Labcorp Genetics (formerly Invitae), Labcorp
Classification: Uncertain significance. Last evaluated: 2022-08-15. Review status: criteria provided, single submitter. Criteria: Invitae Variant Classification Sherloc (09022015). Collection method: clinical testing. Allele origin: germline.
Comment: This sequence change replaces leucine, which is neutral and non-polar, with proline, which is neutral and non-polar, at codon 514 of the CHRNA2 protein (p.Leu514Pro). This variant is not present in population databases (gnomAD no frequency). Advanced modeling of protein sequence and biophysical properties (such as structural, functional, and spatial information, amino acid conservation, physicochemical variation, residue mobility, and thermodynamic stability) performed at Invitae indicates that this missense variant is not expected to disrupt CHRNA2 protein function. In summary, the available evidence is currently insufficient to determine the role of this variant in disease. Therefore, it has been classified as a Variant of Uncertain Significance. ClinVar contains an entry for this variant (Variation ID: 1006542). This variant has not been reported in the literature in individuals affected with CHRNA2-related conditions.

NM_000742.4(CHRNA2):c.1541T>C (p.Leu514Pro)

Gene: CHRNA2 (cholinergic receptor nicotinic alpha 2 subunit; minus strand). Cytogenetic location: 8p21.2.
Variant type: single nucleotide variant.
Coding change: c.1541T>C on transcript NM_000742.4 (MANE Select); coding-DNA position 1541, T replaced by C.
Protein change: p.Leu514Pro; replaces leucine 514 with proline.
Molecular consequence: missense variant.
Genome position (GRCh38, 1-based): chr8:27,461,678, A>G on the plus strand (T>C on the coding strand, the complement: CHRNA2 is on the minus strand). VCF-style: chr8-27461678-A-G. GRCh37 (hg19) VCF-style: chr8-27319195-A-G.
Other names: c.1496T>C, p.Leu499Pro (NM_001282455.2); c.1064T>C, p.Leu355Pro (NM_001347705.2, NM_001347706.2); c.947T>C, p.Leu316Pro (NM_001347707.2, NM_001347708.2); short protein forms L316P, L355P, L499P, L514P.
Identifiers: ClinVar variation 1006542 (VCV001006542.5), dbSNP rs1812493442, ClinGen allele CA370806872.